The following is an entry in ClinVar:

NM_003106.4(SOX2):c.310G>T (p.Glu104Ter)

Genes: SOX2 (SRY-box transcription factor 2; plus strand), SOX2-OT (SOX2 overlapping transcript; plus strand), LOC108281177 (SOX2 5' regulatory region; plus strand). Cytogenetic location: 3q26.33.
Variant type: single nucleotide variant.
Coding change: c.310G>T on transcript NM_003106.4 (MANE Select); coding-DNA position 310, G replaced by T.
Protein change: p.Glu104Ter; replaces glutamic acid 104 with a stop codon.
Molecular consequence: nonsense.
Genome position (GRCh38, 1-based): chr3:181,712,670, G>T. VCF-style: chr3-181712670-G-T. GRCh37 (hg19) VCF-style: chr3-181430458-G-T.
Other names: short protein forms E104*.
Identifiers: ClinVar variation 986764 (VCV000986764.5), dbSNP rs1260218988, ClinGen allele CA355473597.

ClinVar aggregate classification (germline): Pathogenic. Review status: criteria provided, single submitter (1 of 4 stars). 3 submissions from 3 submitters: Pathogenic (1). 2 of the submissions do not count toward it. Last evaluated 2023-08-23.

Conditions:
Anophthalmia/microphthalmia-esophageal atresia syndrome (MCOPS3). Also called: MICROPHTHALMIA AND ESOPHAGEAL ATRESIA SYNDROME; AEG SYNDROME; SOX2 Disorder. Identifiers: Orphanet 77298, MedGen C1859773, MONDO:0008799, OMIM 206900.

Submissions (3):

Labcorp Genetics (formerly Invitae), Labcorp
Classification: Pathogenic for Anophthalmia/microphthalmia-esophageal atresia syndrome. Last evaluated: 2023-08-23. Review status: criteria provided, single submitter. Criteria: Invitae Variant Classification Sherloc (09022015). Collection method: clinical testing. Allele origin: germline.
Comment: This variant is not present in population databases (gnomAD no frequency). This premature translational stop signal has been observed in individual(s) with SOX2-related conditions (PMID: 18385794, 34367232). This variant disrupts a region of the SOX2 protein in which other variant(s) (p.Tyr180*) have been determined to be pathogenic (PMID: 19921648). This suggests that this is a clinically significant region of the protein, and that variants that disrupt it are likely to be disease-causing. For these reasons, this variant has been classified as Pathogenic. ClinVar contains an entry for this variant (Variation ID: 986764). This sequence change creates a premature translational stop signal (p.Glu104*) in the SOX2 gene. While this is not anticipated to result in nonsense mediated decay, it is expected to disrupt the last 214 amino acid(s) of the SOX2 protein.

Anophthalmia/Microphthalmia Research Registry, Einstein Medical Center Philadelphia
Classification: Pathogenic for Anophthalmia/microphthalmia-esophageal atresia syndrome. Review status: no assertion criteria provided. Collection method: research. Allele origin: germline. Inheritance: Autosomal dominant inheritance. Affected: yes. Observed: 1 variant allele. Not counted in ClinVar's aggregate classification.

Department of Rehabilitation Medicine, Incheon St. Mary’s Hospital, College of Medicine, The Catholic University of Korea
Classification: Pathogenic for Anophthalmia/microphthalmia-esophageal atresia syndrome. Review status: no assertion criteria provided. Collection method: clinical testing. Allele origin: de novo. Affected: yes. Not counted in ClinVar's aggregate classification.

Literature cited by the submitters: PubMed 18385794 (cited by Labcorp Genetics (formerly Invitae), Labcorp); PubMed 34367232 (cited by Labcorp Genetics (formerly Invitae), Labcorp); PubMed 19921648 (cited by Labcorp Genetics (formerly Invitae), Labcorp).